The following is an entry in ClinVar:

NM_020832.3(ZNF687):c.346G>A (p.Gly116Arg)

Gene: ZNF687 (zinc finger protein 687; plus strand). Cytogenetic location: 1q21.3.
Variant type: single nucleotide variant.
Coding change: c.346G>A on transcript NM_020832.3 (MANE Select); coding-DNA position 346, G replaced by A.
Protein change: p.Gly116Arg; replaces glycine 116 with arginine.
Molecular consequence: missense variant.
Genome position (GRCh38, 1-based): chr1:151,286,637, G>A. VCF-style: chr1-151286637-G-A. GRCh37 (hg19) VCF-style: chr1-151259113-G-A.
Other names: c.346G>A, p.Gly116Arg (NM_001304763.2, NM_001304764.2); short protein forms G116R.
Identifiers: ClinVar variation 779222 (VCV000779222.34), dbSNP rs112780836, ClinGen allele CA1088143.

ClinVar aggregate classification (germline): Benign/Likely benign. Review status: criteria provided, multiple submitters, no conflicts (2 of 4 stars). 3 submissions from 3 submitters: Benign (2); Likely benign (1). Last evaluated 2026-02-01.

Allele frequency attached by ClinVar (database versions not stated): 1000 Genomes Project 30x 0.00234; 1000 Genomes Project 0.00240; TOPMed 0.00424; gnomAD 0.00426 and 0.00440; ESP Exome Variant Server 0.00446; gnomAD exomes 0.00513 and 0.00661; ExAC 0.00530.
gnomAD v4.1: 10,269 of 1,614,190 alleles (0.64%); highest among the groups gnomAD compares: Middle Eastern, 1.1%; 63 homozygotes.

Submissions (3):

Labcorp Genetics (formerly Invitae), Labcorp
Classification: Benign. Last evaluated: 2026-02-01. Review status: criteria provided, single submitter. Criteria: Invitae Variant Classification Sherloc (09022015). Collection method: clinical testing. Allele origin: germline.

CeGaT Center for Human Genetics Tuebingen
Classification: Likely benign. Last evaluated: 2023-03-01. Review status: criteria provided, single submitter. Criteria: CeGaT Center For Human Genetics Tuebingen Variant Classification Criteria Version 2. Collection method: clinical testing. Allele origin: germline. Affected: yes. Observed: 1 variant allele.
Comment: ZNF687: BP4, BS2

Breakthrough Genomics
Classification: Benign. Review status: criteria provided, single submitter. Criteria: ACMG Guidelines, 2015. Collection method: not provided. Allele origin: germline. Inheritance: Autosomal dominant inheritance. Affected: yes.